The following is an entry in ClinVar:

ClinVar aggregate classification (germline): Uncertain significance (1 of 4 stars; one submission).

Conditions:
Oculocutaneous albinism type 3 (OCA3). Also called: ALBINISM III; Rufous OCA; Rufous albinism; Albinism, oculocutaneous, type III; RUFOUS OCULOCUTANEOUS ALBINISM; XANTHISM. Identifiers: Orphanet 79433, MedGen C0342683, MONDO:0008747, OMIM 203290.

Allele frequency attached by ClinVar (database versions not stated): gnomAD exomes below 0.00001 and 0.00001; ExAC 0.00001; gnomAD 0.00001.
gnomAD v4.1: 9 of 1,613,816 alleles (0.00056%); highest among the groups gnomAD compares: Non-Finnish European, 0.00076%; no homozygotes.

Submission:

3billion
Classification: Uncertain significance for Oculocutaneous albinism type 3. Last evaluated: 2022-05-22. Review status: criteria provided, single submitter. Criteria: ACMG Guidelines, 2015. Collection method: clinical testing. Allele origin: germline. Affected: yes. Observed: 1 heterozygote.
Comment: The variant is observed at an extremely low frequency in the gnomAD v2.1.1 dataset (total allele frequency: <0.001%). In silico tool predictions suggest damaging effect of the variant on gene or gene product (REVEL: 0.71; 3Cnet: 0.28). Therefore, this variant is classified as uncertain significanceaccording to the recommendation of ACMG/AMP guideline.

NM_000550.3(TYRP1):c.187G>A (p.Gly63Ser)

Gene: TYRP1 (tyrosinase related protein 1; plus strand). Cytogenetic location: 9p23.
Variant type: single nucleotide variant.
Coding change: c.187G>A on transcript NM_000550.3 (MANE Select); coding-DNA position 187, G replaced by A.
Protein change: p.Gly63Ser; replaces glycine 63 with serine.
Molecular consequence: missense variant.
Genome position (GRCh38, 1-based): chr9:12,694,183, G>A. VCF-style: chr9-12694183-G-A. GRCh37 (hg19) VCF-style: chr9-12694183-G-A.
Other names: short protein forms G63S.
Identifiers: ClinVar variation 1687268 (VCV001687268.1), dbSNP rs201457510, ClinGen allele CA4985138.